The following is an entry in ClinVar:

ClinVar aggregate classification (germline): Uncertain significance (1 of 4 stars; one submission).

Allele frequency attached by ClinVar (database versions not stated): ExAC 0.00001.

Submission:

CeGaT Center for Human Genetics Tuebingen
Classification: Uncertain significance. Last evaluated: 2023-07-01. Review status: criteria provided, single submitter. Criteria: CeGaT Center For Human Genetics Tuebingen Variant Classification Criteria Version 2. Collection method: clinical testing. Allele origin: germline. Affected: yes. Observed: 1 variant allele.
Comment: KANK1: PVS1:Moderate, PM2:Supporting

NM_015158.5(KANK1):c.38-2A>T

Gene: KANK1 (KN motif and ankyrin repeat domains 1; plus strand). Cytogenetic location: 9p24.3.
Variant type: single nucleotide variant.
Coding change: c.38-2A>T on transcript NM_015158.5 (MANE Select); the canonical splice acceptor site of the intron before coding-DNA position 38, A replaced by T.
Molecular consequence: splice acceptor variant.
Genome position (GRCh38, 1-based): chr9:710,802, A>T. VCF-style: chr9-710802-A-T. GRCh37 (hg19) VCF-style: chr9-710802-A-T.
Other names: c.38-2A>T (NM_001256876.3, NM_001354334.2, NM_001256877.3 and 2 more transcripts); c.-437-2A>T (NM_001354333.2, NM_001354335.2, NM_001354336.2 and 9 more transcripts).
Identifiers: ClinVar variation 2659020 (VCV002659020.24), dbSNP rs754697149, ClinGen allele CA4959829.